The following is an entry in ClinVar:

ClinVar aggregate classification (germline): Uncertain significance. Review status: criteria provided, multiple submitters, no conflicts (2 of 4 stars). 2 submissions from 2 submitters: Uncertain significance (2). Last evaluated 2022-08-31.

Conditions:
Retinitis pigmentosa 59 (RP59). Identifiers: Orphanet 791, MedGen C3151227, MONDO:0013468, OMIM 613861.

Allele frequency attached by ClinVar (database versions not stated): ExAC 0.00001; gnomAD exomes 0.00001.
gnomAD v4.1: 9 of 1,613,176 alleles (0.00056%); highest among the groups gnomAD compares: East Asian, 0.0022%; no homozygotes.

Submissions (2):

Labcorp Genetics (formerly Invitae), Labcorp
Classification: Uncertain significance for Retinitis pigmentosa 59. Last evaluated: 2022-08-31. Review status: criteria provided, single submitter. Criteria: Invitae Variant Classification Sherloc (09022015). Collection method: clinical testing. Allele origin: germline.
Comment: In summary, the available evidence is currently insufficient to determine the role of this variant in disease. Therefore, it has been classified as a Variant of Uncertain Significance. Algorithms developed to predict the effect of sequence changes on RNA splicing suggest that this variant may create or strengthen a splice site. Experimental studies and prediction algorithms are not available or were not evaluated, and the functional significance of this variant is currently unknown. This variant has not been reported in the literature in individuals affected with DHDDS-related conditions. This variant is present in population databases (rs754188985, gnomAD 0.0009%). This sequence change creates a premature translational stop signal (p.Arg322*) in the DHDDS gene. While this is not anticipated to result in nonsense mediated decay, it is expected to disrupt the last 13 amino acid(s) of the DHDDS protein.

Blueprint Genetics
Classification: Uncertain significance. Last evaluated: 2021-04-02. Review status: criteria provided, single submitter. Criteria: ACMG Guidelines, 2015. Collection method: clinical testing. Allele origin: germline.

NM_205861.3(DHDDS):c.961C>T (p.Arg321Ter)

Gene: DHDDS (dehydrodolichyl diphosphate synthase subunit; plus strand). Cytogenetic location: 1p36.11.
Variant type: single nucleotide variant.
Coding change: c.961C>T on transcript NM_205861.3 (MANE Select); coding-DNA position 961, C replaced by T.
Protein change: p.Arg321Ter; replaces arginine 321 with a stop codon.
Molecular consequence: nonsense.
Genome position (GRCh38, 1-based): chr1:26,469,090, C>T. VCF-style: chr1-26469090-C-T. GRCh37 (hg19) VCF-style: chr1-26795581-C-T.
Other names: c.859C>T, p.Arg287Ter (NM_001243564.2); c.844C>T, p.Arg282Ter (NM_001243565.2); c.682C>T, p.Arg228Ter (NM_001319959.2); c.964C>T, p.Arg322Ter (NM_024887.4); short protein forms R321*, R322*, R228*, R282*, R287*.
Identifiers: ClinVar variation 2169166 (VCV002169166.5), dbSNP rs754188985, ClinGen allele CA705500.